The following is an entry in ClinVar:

ClinVar aggregate classification (germline): Benign. Review status: criteria provided, multiple submitters, no conflicts (2 of 4 stars). 12 submissions from 12 submitters: Benign (9). 3 of the submissions do not count toward it. Last evaluated 2026-02-03.

Conditions:
Microcephaly 5, primary, autosomal recessive (MCPH5). Also called: ASPM Primary Microcephaly. Identifiers: Orphanet 2512, MedGen C1837501, MONDO:0012106, OMIM 608716.

Allele frequency attached by ClinVar (database versions not stated): ESP Exome Variant Server 0.11486; gnomAD 0.16179 and 0.17583; TOPMed 0.17984; gnomAD exomes 0.19173 and 0.25697; ExAC 0.23960; 1000 Genomes Project 30x 0.28685; 1000 Genomes Project 0.29493.
gnomAD v4.1: 307,490 of 1,611,328 alleles (19%); highest among the groups gnomAD compares: East Asian, 69%; 39,807 homozygotes.

Submissions (13):

Labcorp Genetics (formerly Invitae), Labcorp
Classification: Benign. Last evaluated: 2026-02-03. Review status: criteria provided, single submitter. Criteria: Invitae Variant Classification Sherloc (09022015). Collection method: clinical testing. Allele origin: germline.

Blueprint Genetics
Classification: Benign. Last evaluated: 2024-11-26. Review status: criteria provided, single submitter. Criteria: ACMG Guidelines, 2015. Collection method: clinical testing. Allele origin: germline.

Genome-Nilou Lab
Classification: Benign for Microcephaly 5, primary, autosomal recessive. Last evaluated: 2023-04-11. Review status: criteria provided, single submitter. Criteria: ACMG Guidelines, 2015. Collection method: clinical testing. Allele origin: germline. Affected: no.

Illumina Laboratory Services, Illumina
Classification: Benign for Microcephaly 5, primary, autosomal recessive. Last evaluated: 2018-03-06. Review status: criteria provided, single submitter. Criteria: ICSL Variant Classification Criteria 13 December 2019. Collection method: clinical testing. Allele origin: germline.
Comment: This variant was observed in the ICSL laboratory as part of a predisposition screen in an ostensibly healthy population. It had not been previously curated by ICSL or reported in the Human Gene Mutation Database (HGMD: prior to June 1st, 2018), and was therefore a candidate for classification through an automated scoring system. Utilizing variant allele frequency, disease prevalence and penetrance estimates, and inheritance mode, an automated score was calculated to assess if this variant is too frequent to cause the disease. Based on the score and internal cut-off values, a variant classified as benign is not then subjected to further curation. The score for this variant resulted in a classification of benign for this disease.

Clinical Genetics DNA and cytogenetics Diagnostics Lab, Erasmus MC, Erasmus Medical Center
Classification: Benign for Microcephaly 5, primary, autosomal recessive. Last evaluated: 2017-06-28. Review status: criteria provided, single submitter. Criteria: ACGS Guidelines, 2013. Collection method: clinical testing. Allele origin: germline. Affected: yes. Study: VKGL Data-share Consensus.

GeneDx
Classification: Benign. Last evaluated: 2013-12-17. Review status: criteria provided, single submitter. Criteria: GeneDx Variant Classification (06012015). Collection method: clinical testing. Allele origin: germline. Affected: yes.
Comment: This variant is considered likely benign or benign based on one or more of the following criteria: it is a conservative change, it occurs at a poorly conserved position in the protein, it is predicted to be benign by multiple in silico algorithms, and/or has population frequency not consistent with disease.

Genetic Services Laboratory, University of Chicago
Classification: Benign. Last evaluated: 2013-02-08. Review status: criteria provided, single submitter. Criteria: ACMG Guidelines, 2007. Collection method: clinical testing. Allele origin: germline. Inheritance: Autosomal recessive inheritance.

Breakthrough Genomics
Classification: Benign. Review status: criteria provided, single submitter. Criteria: ACMG Guidelines, 2015. Collection method: not provided. Allele origin: germline. Inheritance: Autosomal recessive inheritance. Affected: yes.

PreventionGenetics, part of Exact Sciences
Classification: Benign. Review status: criteria provided, single submitter. Criteria: ACMG Guidelines, 2015. Collection method: clinical testing. Allele origin: germline.

Diagnostic Laboratory, Department of Genetics, University Medical Center Groningen
Classification: Benign for Microcephaly 5, primary, autosomal recessive. Review status: no assertion criteria provided. Collection method: clinical testing. Allele origin: germline. Affected: yes. Study: VKGL Data-share Consensus. Not counted in ClinVar's aggregate classification.

Dr. Peter K. Rogan Lab, Western University
No classification provided (evidence only). Condition: Familial cancer of breast. Review status: no classification provided. Collection method: in vitro. Allele origin: not applicable. Functional consequence: retained intron. Not counted in ClinVar's aggregate classification.

GeneReviews
No classification provided. Condition: Microcephaly 5, primary, autosomal recessive. Review status: no classification provided. Collection method: literature only. Allele origin: unknown. Not counted in ClinVar's aggregate classification.

Joint Genome Diagnostic Labs from Nijmegen and Maastricht, Radboudumc and MUMC+
Classification: Benign. Review status: no assertion criteria provided. Collection method: clinical testing. Allele origin: germline. Affected: yes. Study: VKGL Data-share Consensus. Not counted in ClinVar's aggregate classification.

Literature cited by the submitters: PubMed 20301772 (cited by GeneReviews); NCBI Bookshelf NBK9587 (cited by GeneReviews).

NM_018136.5(ASPM):c.7605G>A (p.Val2535=)

Gene: ASPM (assembly factor for spindle microtubules; minus strand). Cytogenetic location: 1q31.3.
Variant type: single nucleotide variant.
Coding change: c.7605G>A on transcript NM_018136.5 (MANE Select); coding-DNA position 7605, G replaced by A.
Protein change: p.Val2535=; no amino-acid change (valine 2535 retained).
Molecular consequence: synonymous variant. On other transcripts: intron variant (1).
Genome position (GRCh38, 1-based): chr1:197,101,646, C>T on the plus strand (G>A on the coding strand, the complement: ASPM is on the minus strand). VCF-style: chr1-197101646-C-T. GRCh37 (hg19) VCF-style: chr1-197070776-C-T.
Other names: p.V2535V:GTG>GTA; c.4066-5482G>A (NM_001206846.2).
Identifiers: ClinVar variation 21603 (VCV000021603.26), dbSNP rs10922162, ClinGen allele CA171250.